The following is an entry in ClinVar:

NM_032119.4(ADGRV1):c.5178C>T (p.Ser1726=)

Gene: ADGRV1 (adhesion G protein-coupled receptor V1; plus strand). Cytogenetic location: 5q14.3.
Variant type: single nucleotide variant.
Coding change: c.5178C>T on transcript NM_032119.4 (MANE Select); coding-DNA position 5178, C replaced by T.
Protein change: p.Ser1726=; no amino-acid change (serine 1726 retained).
Molecular consequence: synonymous variant. On other transcripts: non-coding transcript variant (1).
Genome position (GRCh38, 1-based): chr5:90,675,310, C>T. VCF-style: chr5-90675310-C-T. GRCh37 (hg19) VCF-style: chr5-89971127-C-T.
Identifiers: ClinVar variation 795920 (VCV000795920.11), dbSNP rs371013808, ClinGen allele CA3339510.

ClinVar aggregate classification (germline): Likely benign. Review status: criteria provided, multiple submitters, no conflicts (2 of 4 stars). 3 submissions from 3 submitters: Likely benign (3). Last evaluated 2026-05-27.

Conditions:
ADGRV1-related disorder. Also called: ADGRV1-related disorders; ADGRV1-related condition.

Allele frequency attached by ClinVar (database versions not stated): gnomAD exomes 0.00004; ExAC 0.00005; TOPMed 0.00005; gnomAD 0.00007 and 0.00008; ESP Exome Variant Server 0.00008.
gnomAD v4.1: 69 of 1,613,644 alleles (0.0043%); highest among the groups gnomAD compares: Non-Finnish European, 0.0051%; no homozygotes.

Submissions (3):

PreventionGenetics, part of Exact Sciences
Classification: Likely benign for ADGRV1-related condition. Last evaluated: 2026-05-27. Review status: criteria provided, single submitter. Criteria: ACMG Guidelines, 2015. Collection method: clinical testing. Allele origin: germline.
Comment: This variant is classified as likely benign based on ACMG/AMP sequence variant interpretation guidelines (Richards et al. 2015 PMID: 25741868, with internal and published modifications).

Labcorp Genetics (formerly Invitae), Labcorp
Classification: Likely benign. Last evaluated: 2026-01-24. Review status: criteria provided, single submitter. Criteria: Invitae Variant Classification Sherloc (09022015). Collection method: clinical testing. Allele origin: germline.

Blueprint Genetics
Classification: Likely benign. Last evaluated: 2024-11-01. Review status: criteria provided, single submitter. Criteria: ACMG Guidelines, 2015. Collection method: clinical testing. Allele origin: germline.